The following is an entry in ClinVar:

NM_172107.4(KCNQ2):c.1526A>C (p.Glu509Ala)

Gene: KCNQ2 (potassium voltage-gated channel subfamily Q member 2; minus strand). Cytogenetic location: 20q13.33.
Variant type: single nucleotide variant.
Coding change: c.1526A>C on transcript NM_172107.4 (MANE Select); coding-DNA position 1526, A replaced by C.
Protein change: p.Glu509Ala; replaces glutamic acid 509 with alanine.
Molecular consequence: missense variant. On other transcripts: intron variant (1).
Genome position (GRCh38, 1-based): chr20:63,414,193, T>G on the plus strand (A>C on the coding strand, the complement: KCNQ2 is on the minus strand). VCF-style: chr20-63414193-T-G. GRCh37 (hg19) VCF-style: chr20-62045546-T-G.
Other names: c.1526A>C (NM_172107.2); c.1472A>C, p.Glu491Ala (NM_001382235.1, NM_172106.3); c.1442A>C, p.Glu481Ala (NM_004518.6); c.1436-3A>C (NM_172108.5); short protein forms E491A, E481A, E509A.
Identifiers: ClinVar variation 1428258 (VCV001428258.10), dbSNP rs959219090, ClinGen allele CA317429845.

ClinVar aggregate classification (germline): Uncertain significance. Review status: criteria provided, multiple submitters, no conflicts (2 of 4 stars). 2 submissions from 2 submitters: Uncertain significance (2). Last evaluated 2024-07-26.

Conditions:
Inborn genetic diseases. Identifiers: MedGen C0950123, MeSH D030342.
Early-infantile DEE. Also called: Ohtahara syndrome; Early infantile epileptic encephalopathy with suppression bursts; Early infantile epileptic encephalopathy. Identifiers: Orphanet 1934, MedGen C0393706, MONDO:0800491.

Allele frequency attached by ClinVar (database versions not stated): gnomAD 0.00002; TOPMed 0.00002.
gnomAD v4.1: 3 of 1,612,174 alleles (0.00019%); highest among the groups gnomAD compares: African/African-American, 0.004%; no homozygotes.

Submissions (2):

Ambry Genetics
Classification: Uncertain significance for Inborn genetic diseases. Last evaluated: 2024-07-26. Review status: criteria provided, single submitter. Criteria: Ambry Variant Classification Scheme 2023. Collection method: clinical testing. Allele origin: germline.

Labcorp Genetics (formerly Invitae), Labcorp
Classification: Uncertain significance for Early-infantile DEE. Last evaluated: 2023-08-23. Review status: criteria provided, single submitter. Criteria: Invitae Variant Classification Sherloc (09022015). Collection method: clinical testing. Allele origin: germline.
Comment: This variant has not been reported in the literature in individuals affected with KCNQ2-related conditions. This variant is present in population databases (no rsID available, gnomAD 0.01%). This sequence change replaces glutamic acid, which is acidic and polar, with alanine, which is neutral and non-polar, at codon 509 of the KCNQ2 protein (p.Glu509Ala). ClinVar contains an entry for this variant (Variation ID: 1428258). In summary, the available evidence is currently insufficient to determine the role of this variant in disease. Therefore, it has been classified as a Variant of Uncertain Significance. An algorithm developed to predict the effect of missense changes on protein structure and function (PolyPhen-2) suggests that this variant is likely to be disruptive.